The following is an entry in ClinVar:

NM_152564.5(VPS13B):c.2326A>G (p.Thr776Ala)

Gene: VPS13B (vacuolar protein sorting 13 homolog B; plus strand). Cytogenetic location: 8q22.2.
Variant type: single nucleotide variant.
Coding change: c.2326A>G on transcript NM_152564.5 (MANE Select); coding-DNA position 2326, A replaced by G.
Protein change: p.Thr776Ala; replaces threonine 776 with alanine.
Molecular consequence: missense variant.
Genome position (GRCh38, 1-based): chr8:99,170,156, A>G. VCF-style: chr8-99170156-A-G. GRCh37 (hg19) VCF-style: chr8-100182384-A-G.
Other names: c.2326A>G, p.Thr776Ala (NM_017890.5, NM_015243.3); short protein forms T776A.
Identifiers: ClinVar variation 4063188 (VCV004063188.2).

ClinVar aggregate classification (germline): Uncertain significance. Review status: criteria provided, single submitter (1 of 4 stars). 2 submissions from 2 submitters: Uncertain significance (1). 1 of the submissions does not count toward it. Last evaluated 2025-01-03.

Conditions:
VPS13B-related disorder. Also called: VPS13B-related condition.
Cohen syndrome (COH1). Also called: PEPPER SYNDROME; Cutis verticis gyrata, retinitis pigmentosa, and sensorineural deafness. Identifiers: Orphanet 193, MedGen C0265223, MONDO:0008999, OMIM 216550.

gnomAD v4.1: 2 of 1,612,432 alleles (0.00012%); highest among the groups gnomAD compares: African/African-American, 0.0027%; no homozygotes.

Submissions (2):

PreventionGenetics, part of Exact Sciences
Classification: Uncertain significance for VPS13B-related condition. Last evaluated: 2025-01-03. Review status: criteria provided, single submitter. Criteria: ACMG Guidelines, 2015. Collection method: clinical testing. Allele origin: germline.
Comment: The VPS13B c.2326A>G variant is predicted to result in the amino acid substitution p.Thr776Ala. To our knowledge, this variant has not been reported in the literature. This variant is reported in 0.0080% of alleles in individuals of African descent in gnomAD. At this time, the clinical significance of this variant is uncertain due to the absence of conclusive functional and genetic evidence.

Natera, Inc.
Classification: Uncertain significance for Cohen syndrome. Last evaluated: 2025-03-12. Review status: no assertion criteria provided. Collection method: clinical testing. Allele origin: germline. Not counted in ClinVar's aggregate classification.